The following is an entry in ClinVar:

ClinVar aggregate classification (germline): Uncertain significance (1 of 4 stars; one submission).

Conditions:
Alagille syndrome due to a JAG1 point mutation. Also called: Alagille Syndrome 1; JAG1-Related Alagille Syndrome; HEPATIC DUCTULAR HYPOPLASIA, SYNDROMATIC. Identifiers: Orphanet 261619, Orphanet 52, MedGen C1956125, MONDO:0016862, OMIM 118450.

Submission:

Labcorp Genetics (formerly Invitae), Labcorp
Classification: Uncertain significance for Alagille syndrome due to a JAG1 point mutation. Last evaluated: 2024-04-13. Review status: criteria provided, single submitter. Criteria: Invitae Variant Classification Sherloc (09022015). Collection method: clinical testing. Allele origin: germline.
Comment: This sequence change replaces threonine, which is neutral and polar, with alanine, which is neutral and non-polar, at codon 701 of the JAG1 protein (p.Thr701Ala). This variant is present in population databases (no rsID available, gnomAD 0.003%). This variant has not been reported in the literature in individuals affected with JAG1-related conditions. Advanced modeling of protein sequence and biophysical properties (such as structural, functional, and spatial information, amino acid conservation, physicochemical variation, residue mobility, and thermodynamic stability) has been performed at Invitae for this missense variant, however the output from this modeling did not meet the statistical confidence thresholds required to predict the impact of this variant on JAG1 protein function. In summary, the available evidence is currently insufficient to determine the role of this variant in disease. Therefore, it has been classified as a Variant of Uncertain Significance.

NM_000214.3(JAG1):c.2101A>G (p.Thr701Ala)

Gene: JAG1 (jagged canonical Notch ligand 1; minus strand). Cytogenetic location: 20p12.2.
Variant type: single nucleotide variant.
Coding change: c.2101A>G on transcript NM_000214.3 (MANE Select); coding-DNA position 2101, A replaced by G.
Protein change: p.Thr701Ala; replaces threonine 701 with alanine.
Molecular consequence: missense variant.
Genome position (GRCh38, 1-based): chr20:10,645,368, T>C on the plus strand (A>G on the coding strand, the complement: JAG1 is on the minus strand). VCF-style: chr20-10645368-T-C. GRCh37 (hg19) VCF-style: chr20-10626016-T-C.
Other names: short protein forms T701A.
Identifiers: ClinVar variation 3711222 (VCV003711222.2).